The following is an entry in ClinVar:

NM_000814.6(GABRB3):c.525C>G (p.Cys175Trp)

Gene: GABRB3 (gamma-aminobutyric acid type A receptor subunit beta3; minus strand). Cytogenetic location: 15q12.
Variant type: single nucleotide variant.
Coding change: c.525C>G on transcript NM_000814.6 (MANE Select); coding-DNA position 525, C replaced by G.
Protein change: p.Cys175Trp; replaces cysteine 175 with tryptophan.
Molecular consequence: missense variant.
Genome position (GRCh38, 1-based): chr15:26,583,351, G>C on the plus strand (C>G on the coding strand, the complement: GABRB3 is on the minus strand). VCF-style: chr15-26583351-G-C. GRCh37 (hg19) VCF-style: chr15-26828498-G-C.
Other names: c.270C>G, p.Cys90Trp (NM_001191320.2, NM_001278631.2); c.312C>G, p.Cys104Trp (NM_001191321.3); c.525C>G, p.Cys175Trp (NM_021912.5); short protein forms C90W, C104W, C175W.
Identifiers: ClinVar variation 2103323 (VCV002103323.4), dbSNP rs2504213292, ClinGen allele CA391458005.

ClinVar aggregate classification (germline): Uncertain significance (1 of 4 stars; one submission).

Conditions:
Epilepsy, childhood absence, susceptibility to, 1. Also called: Epilepsy, childhood absence 1. Identifiers: Orphanet 64280, MedGen C1838604, MONDO:0020759, OMIM 600131.
Epilepsy, childhood absence, susceptibility to, 5. Identifiers: Orphanet 64280, MedGen C2677087, MONDO:0012843, OMIM 612269.

Submission:

Labcorp Genetics (formerly Invitae), Labcorp
Classification: Uncertain significance for Epilepsy, childhood absence, susceptibility to, 5; Epilepsy, childhood absence, susceptibility to, 1. Last evaluated: 2023-08-30. Review status: criteria provided, single submitter. Criteria: Invitae Variant Classification Sherloc (09022015). Collection method: clinical testing. Allele origin: germline.
Comment: ClinVar contains an entry for this variant (Variation ID: 2103323). Advanced modeling of protein sequence and biophysical properties (such as structural, functional, and spatial information, amino acid conservation, physicochemical variation, residue mobility, and thermodynamic stability) performed at Invitae indicates that this missense variant is expected to disrupt GABRB3 protein function. In summary, the available evidence is currently insufficient to determine the role of this variant in disease. Therefore, it has been classified as a Variant of Uncertain Significance. This sequence change replaces cysteine, which is neutral and slightly polar, with tryptophan, which is neutral and slightly polar, at codon 175 of the GABRB3 protein (p.Cys175Trp). This variant is not present in population databases (gnomAD no frequency). This missense change has been observed in individual(s) with clinical features of GABRB3-related conditions (Invitae).